The following is an entry in ClinVar:

ClinVar aggregate classification (germline): Uncertain significance. Review status: criteria provided, multiple submitters, no conflicts (2 of 4 stars). 2 submissions from 2 submitters: Uncertain significance (2). Last evaluated 2026-03-01.

Allele frequency attached by ClinVar (database versions not stated): gnomAD exomes below 0.00001.
gnomAD v4.1: 1 of 1,516,264 alleles (0.000066%); highest among the groups gnomAD compares: Admixed American, 0.0023%; no homozygotes.

Submissions (2):

CeGaT Center for Human Genetics Tuebingen
Classification: Uncertain significance. Last evaluated: 2026-03-01. Review status: criteria provided, single submitter. Criteria: CeGaT Center For Human Genetics Tuebingen Variant Classification Criteria Version 2. Collection method: clinical testing. Allele origin: germline. Affected: yes. Observed: 1 variant allele.
Comment: ATN1: PM2

GeneDx
Classification: Uncertain significance. Last evaluated: 2019-12-06. Review status: criteria provided, single submitter. Criteria: GeneDx Variant Classification Process June 2021. Collection method: clinical testing. Allele origin: germline. Affected: yes.
Comment: In silico analysis, which includes protein predictors and evolutionary conservation, supports a deleterious effect; Has not been previously published as pathogenic or benign to our knowledge

NM_001940.4(ATN1):c.2270C>A (p.Pro757His)

Genes: ATN1 (atrophin 1; plus strand), LOC130007290 (ATAC-STARR-seq lymphoblastoid silent region 4195; plus strand). Cytogenetic location: 12p13.31.
Variant type: single nucleotide variant.
Coding change: c.2270C>A on transcript NM_001940.4 (MANE Select); coding-DNA position 2270, C replaced by A.
Protein change: p.Pro757His; replaces proline 757 with histidine.
Molecular consequence: missense variant.
Genome position (GRCh38, 1-based): chr12:6,937,537, C>A. VCF-style: chr12-6937537-C-A. GRCh37 (hg19) VCF-style: chr12-7046700-C-A.
Other names: c.2270C>A, p.Pro757His (NM_001007026.2); short protein forms P757H.
Identifiers: ClinVar variation 1196275 (VCV001196275.6), dbSNP rs1555144017, ClinGen allele CA383734313.